The following is an entry in ClinVar:

ClinVar aggregate classification (germline): Uncertain significance (1 of 4 stars; one submission).

Conditions:
Diamond-Blackfan anemia. Also called: Blackfan Diamond syndrome; Aregenerative anemia chronic congenital; Red cell aplasia, pure hereditary; Congenital hypoplastic anemia; Aase syndrome. Identifiers: Orphanet 124, MedGen C1260899, MeSH D029503, MONDO:0015253, HP:0004810.

gnomAD v4.1: 1 of 1,614,140 alleles (0.000062%); highest among the groups gnomAD compares: Non-Finnish European, 0.000085%; no homozygotes.

Submission:

Labcorp Genetics (formerly Invitae), Labcorp
Classification: Uncertain significance for Diamond-Blackfan anemia. Last evaluated: 2026-01-28. Review status: criteria provided, single submitter. Criteria: Invitae Variant Classification Sherloc (09022015). Collection method: clinical testing. Allele origin: germline.
Comment: This sequence change falls in intron 1 of the RPL5 gene. It does not directly change the encoded amino acid sequence of the RPL5 protein. It affects a nucleotide within the consensus splice site. This variant is not present in population databases (gnomAD no frequency). This variant has not been reported in the literature in individuals affected with RPL5-related conditions. ClinVar contains an entry for this variant (Variation ID: 1420907). Variants that disrupt the consensus splice site are a relatively common cause of aberrant splicing (PMID: 17576681, 9536098). Algorithms developed to predict the effect of sequence changes on RNA splicing suggest that this variant may disrupt the consensus splice site. In summary, the available evidence is currently insufficient to determine the role of this variant in disease. Therefore, it has been classified as a Variant of Uncertain Significance.

Literature cited by the submitters: PubMed 17576681; PubMed 9536098.

NM_000969.5(RPL5):c.3+3G>T

Gene: RPL5 (ribosomal protein L5; plus strand). Cytogenetic location: 1p22.1.
Variant type: single nucleotide variant.
Coding change: c.3+3G>T on transcript NM_000969.5 (MANE Select); 3 bases into the intron after coding-DNA position 3, G replaced by T.
Molecular consequence: intron variant.
Genome position (GRCh38, 1-based): chr1:92,832,120, G>T. VCF-style: chr1-92832120-G-T. GRCh37 (hg19) VCF-style: chr1-93297677-G-T.
Identifiers: ClinVar variation 1420907 (VCV001420907.6), dbSNP rs200628272, ClinGen allele CA2573132078.
Genomic context (GRCh38, chr1:92,832,120, plus strand): 5'-CCGCTGGGCCTGCAGGTCTCTGTCGAGCAGCGGACGCCGGTCTCTGTTCCGCAGGATGGT[G>T]AGTGGATGCCTCGGTCTCGGGGCTTTAGATGCATGGAGGTTCCCTTTTCTTGCCCGTATG-3'